The following is an entry in ClinVar:

NM_001010898.4(SLC6A17):c.895C>T (p.Arg299Trp)

Gene: SLC6A17 (solute carrier family 6 member 17; plus strand). Cytogenetic location: 1p13.3.
Variant type: single nucleotide variant.
Coding change: c.895C>T on transcript NM_001010898.4 (MANE Select); coding-DNA position 895, C replaced by T.
Protein change: p.Arg299Trp; replaces arginine 299 with tryptophan.
Molecular consequence: missense variant.
Genome position (GRCh38, 1-based): chr1:110,192,002, C>T. VCF-style: chr1-110192002-C-T. GRCh37 (hg19) VCF-style: chr1-110734624-C-T.
Other names: short protein forms R299W.
Identifiers: ClinVar variation 3062084 (VCV003062084.1), dbSNP rs1656838613, ClinGen allele CA341576277.

ClinVar aggregate classification (germline): Uncertain significance (1 of 4 stars; one submission).

Conditions:
Intellectual developmental disorder, autosomal recessive 48. Also called: Progressive essential tremor-speech impairment-facial dysmorphism-intellectual disability-abnormal behavior syndrome. Identifiers: Orphanet 457212, MedGen C4225395, MONDO:0014559, OMIM 616269.

Allele frequency attached by ClinVar (database versions not stated): gnomAD exomes below 0.00001; gnomAD 0.00001.
gnomAD v4.1: 7 of 1,613,636 alleles (0.00043%); highest among the groups gnomAD compares: African/African-American, 0.0013%; no homozygotes.

Submission:

Illumina Laboratory Services, Illumina
Classification: Uncertain significance for Intellectual developmental disorder, autosomal recessive 48. Last evaluated: 2021-02-18. Review status: criteria provided, single submitter. Criteria: ICSLVariantClassificationCriteria RUGD 01 April 2020. Collection method: clinical testing. Allele origin: unknown.
Comment: The SLC6A17 c.895C>T (p.Arg299Trp) variant is a missense variant. A literature search was performed for the gene, cDNA change, and amino acid change. No publications were found based on this search. This variant is reported at a frequency of 0.00002414 in the African/African American population of the Genome Aggregation Database (version 3.1), however this is based on one allele in a region of good sequence coverage so the variant is presumed to be rare. Based on the limited evidence, the c.895C>T (p.Arg299Trp) variant is classified as a variant of uncertain significance for SLC6A17-related intellectual disability.